The following is an entry in ClinVar:

ClinVar aggregate classification (germline): Uncertain significance (1 of 4 stars; one submission).

Conditions:
Structural brain anomalies with impaired intellectual development and craniosynostosis. Identifiers: MedGen C5231485, MONDO:0032892, OMIM 618736.

Submission:

OLLIN Analises Genomicas, OLLIN
Classification: Uncertain significance for Structural brain anomalies with impaired intellectual development and craniosynostosis. Last evaluated: 2026-08-06. Review status: criteria provided, single submitter. Criteria: ACMG Guidelines 2015 PMID 25741868. Collection method: clinical testing. Allele origin: germline. Inheritance: Autosomal dominant inheritance.
Comment: This missense variant, located in exon 1 (of 3), is absent from gnomAD and ClinVar and has not been identified in the literature. In silico analysis is inconclusive regarding the impact of this variant. According to the currently available evidence, this variant has been classified as uncertain significance (PM2_P).

NM_003412.4(ZIC1):c.184A>G (p.Thr62Ala)

Gene: ZIC1 (Zic family zinc finger 1; plus strand). Cytogenetic location: 3q24.
Variant type: single nucleotide variant.
Coding change: c.184A>G on transcript NM_003412.4 (MANE Select); coding-DNA position 184, A replaced by G.
Protein change: p.Thr62Ala; replaces threonine 62 with alanine.
Molecular consequence: missense variant.
Genome position (GRCh38, 1-based): chr3:147,410,296, A>G. VCF-style: chr3-147410296-A-G. GRCh37 (hg19) VCF-style: chr3-147128083-A-G.
Other names: short protein forms T62A.
Identifiers: ClinVar variation 5002897 (VCV005002897.1).